The following is an entry in ClinVar:

ClinVar aggregate classification (germline): Uncertain significance (1 of 4 stars; one submission).

Allele frequency attached by ClinVar (database versions not stated): TOPMed below 0.00001.
gnomAD v4.1: 4 of 1,614,214 alleles (0.00025%); highest among the groups gnomAD compares: Non-Finnish European, 0.00025%; no homozygotes.

Submission:

Labcorp Genetics (formerly Invitae), Labcorp
Classification: Uncertain significance. Last evaluated: 2021-09-30. Review status: criteria provided, single submitter. Criteria: Invitae Variant Classification Sherloc (09022015). Collection method: clinical testing. Allele origin: germline.
Comment: This sequence change replaces glutamic acid with glutamine at codon 232 of the MCM3AP protein (p.Glu232Gln). The glutamic acid residue is moderately conserved and there is a small physicochemical difference between glutamic acid and glutamine. This variant is not present in population databases (ExAC no frequency). In summary, the available evidence is currently insufficient to determine the role of this variant in disease. Therefore, it has been classified as a Variant of Uncertain Significance. Algorithms developed to predict the effect of missense changes on protein structure and function are either unavailable or do not agree on the potential impact of this missense change (SIFT: "Deleterious"; PolyPhen-2: "Probably Damaging"; Align-GVGD: "Class C0"). This variant has not been reported in the literature in individuals affected with MCM3AP-related conditions.

NM_003906.5(MCM3AP):c.694G>C (p.Glu232Gln)

Gene: MCM3AP (minichromosome maintenance complex component 3 associated protein; minus strand). Cytogenetic location: 21q22.3.
Variant type: single nucleotide variant.
Coding change: c.694G>C on transcript NM_003906.5 (MANE Select); coding-DNA position 694, G replaced by C.
Protein change: p.Glu232Gln; replaces glutamic acid 232 with glutamine.
Molecular consequence: missense variant.
Genome position (GRCh38, 1-based): chr21:46,284,593, C>G on the plus strand (G>C on the coding strand, the complement: MCM3AP is on the minus strand). VCF-style: chr21-46284593-C-G. GRCh37 (hg19) VCF-style: chr21-47704507-C-G.
Other names: short protein forms E232Q.
Identifiers: ClinVar variation 1479401 (VCV001479401.4), dbSNP rs764884068, ClinGen allele CA410535626.